The following is an entry in ClinVar:

ClinVar aggregate classification (germline): Uncertain significance (1 of 4 stars; one submission).

Conditions:
Hereditary cancer-predisposing syndrome. Also called: Tumor predisposition; Hereditary Cancer Syndrome; Hereditary neoplastic syndrome; Neoplastic Syndromes, Hereditary. Identifiers: Orphanet 140162, MedGen C0027672, MeSH D009386, MONDO:0015356.

Submission:

Ambry Genetics
Classification: Uncertain significance for Hereditary cancer-predisposing syndrome. Last evaluated: 2024-05-17. Review status: criteria provided, single submitter. Criteria: Ambry Variant Classification Scheme 2023. Collection method: clinical testing. Allele origin: germline.
Comment: The p.L1019H variant (also known as c.3056T>A), located in coding exon 23 of the POLD1 gene, results from a T to A substitution at nucleotide position 3056. The leucine at codon 1019 is replaced by histidine, an amino acid with similar properties. This amino acid position is conserved. In addition, this alteration is predicted to be tolerated by in silico analysis. Based on the available evidence, the clinical significance of this variant remains unclear.

NM_002691.4(POLD1):c.3056T>A (p.Leu1019His)

Gene: POLD1 (DNA polymerase delta 1, catalytic subunit; plus strand). Cytogenetic location: 19q13.33.
Variant type: single nucleotide variant.
Coding change: c.3056T>A on transcript NM_002691.4 (MANE Select); coding-DNA position 3056, T replaced by A.
Protein change: p.Leu1019His; replaces leucine 1019 with histidine.
Molecular consequence: missense variant. On other transcripts: non-coding transcript variant (1).
Genome position (GRCh38, 1-based): chr19:50,416,712, T>A. VCF-style: chr19-50416712-T-A. GRCh37 (hg19) VCF-style: chr19-50919969-T-A.
Other names: c.3134T>A, p.Leu1045His (NM_001308632.1); c.3056T>A, p.Leu1019His (NM_001256849.1); short protein forms L1045H, L1019H.
Identifiers: ClinVar variation 3308298 (VCV003308298.1).
Genomic context (GRCh38, chr19:50,416,712, plus strand): 5'-TGGGCGGCCTCCTGGCCTTCGCCAAACGCCGCAACTGCTGCATTGGCTGCCGCACAGTGC[T>A]CAGCCACCAGGGTGAGCGGCCCTGGCCACTGGGCCCCCACTGGCCCTCAACCTGCTCTGC-3'
Protein context (NP_002682.2, residues 1009-1029): RNCCIGCRTV[Leu1019His]SHQGAVCEFC